The following is an entry in ClinVar:

ClinVar aggregate classification (germline): not provided. Review status: no classification provided (0 of 4 stars). 2 submissions from 1 submitter: not provided (2).

Conditions:
Preeclampsia. Identifiers: Orphanet 275555, MedGen C0032914, MONDO:0005081, HP:0100602.
Gestational diabetes mellitus uncontrolled. Identifiers: MedGen C3532257.

Submissions (2):

Institute of Molecular and Cell Biology, University of Tartu
No classification provided. Condition: Preeclampsia. Review status: no classification provided. Collection method: case-control. Allele origin: unknown. Affected: yes. Study: Kasak2014.
Comment: The study aimed to determine the contribution of copy number variants in the genetic etiology of normal and complicated pregnancies. The samples represented (i) maternal blood DNA drawn from healthy pregnant women during 1st or 2nd trimester and (ii) maternal and paternal blood DNA drawn at term pregnancy cases representing normal and complicated gestations (severe preeclampsia, PE; gestational diabetes, GD; small-for-gestational age newborn, SGA; large-for-gestational age newborn, LGA). We performed CNV calling based on genome-wide genotyping dataset (Illumina HumanOmniExpress-24-v1 BeadChip) by applying three algorithms, QuantiSNP, GADA (Genome Alteration Detection Algorithm) and CNstream in parallel. The acquired CNV calls were merged with HD-CNV (Hotspot Detector for Copy Number Variants) program and only the CNVs predicted by at least two programs, were considered in subsequent analysis.

Institute of Molecular and Cell Biology, University of Tartu
No classification provided. Condition: Gestational diabetes mellitus uncontrolled. Review status: no classification provided. Collection method: case-control. Allele origin: unknown. Affected: yes. Study: Kasak2014.
Comment: the same text as in the submission from Institute of Molecular and Cell Biology, University of Tartu above.

Literature cited by the submitters: PubMed 25666259.

CM000665.1:g.100351696_100437892dup

Genes: ADGRG7 (adhesion G protein-coupled receptor G7; plus strand), TFG (trafficking from ER to golgi regulator; plus strand), LOC129937149 (ATAC-STARR-seq lymphoblastoid active region 20162; plus strand), LOC129937150 (ATAC-STARR-seq lymphoblastoid active region 20163; plus strand). Cytogenetic location: 3q12.2.
Variant type: Duplication.
Identifiers: ClinVar variation 156877 (VCV000156877.2).